The following is an entry in ClinVar:

NM_006231.4(POLE):c.1197G>T (p.Ala399=)

Gene: POLE (DNA polymerase epsilon, catalytic subunit; minus strand). Cytogenetic location: 12q24.33.
Variant type: single nucleotide variant.
Coding change: c.1197G>T on transcript NM_006231.4 (MANE Select); coding-DNA position 1197, G replaced by T.
Protein change: p.Ala399=; no amino-acid change (alanine 399 retained).
Molecular consequence: synonymous variant.
Genome position (GRCh38, 1-based): chr12:132,675,427, C>A on the plus strand (G>T on the coding strand, the complement: POLE is on the minus strand). VCF-style: chr12-132675427-C-A. GRCh37 (hg19) VCF-style: chr12-133252013-C-A.
Identifiers: ClinVar variation 2859366 (VCV002859366.4), dbSNP rs1000162996, ClinGen allele CA482849626.
Genomic context (GRCh38, chr12:132,675,427, plus strand): 5'-GTGAGGAGCCATGCTGCTCTGTGGCCCCTACCTGAGGCAGTCCATGTGGATGCACTGGGG[C>A]GCCTTGTACTCCCCCTGGCTGTCCTTCTGGAAGCCTATCTCCTGCTGCATGCTCAGACCG-3'
Protein context (NP_006222.2, residues 389-409): FQKDSQGEYK[Ala399=]PQCIHMDCLR

ClinVar aggregate classification (germline): Benign/Likely benign. Review status: criteria provided, multiple submitters, no conflicts (2 of 4 stars). 2 submissions from 2 submitters: Benign (1); Likely benign (1). Last evaluated 2025-02-10.

Conditions:
Colorectal cancer, susceptibility to, 12 (CRCS12). Also called: COLORECTAL CANCER, SUSCEPTIBILITY TO, ON CHROMOSOME 12q24. Identifiers: Orphanet 220460, MedGen C3554460, MONDO:0014038, OMIM 615083.

gnomAD v4.1: 1 of 1,614,144 alleles (0.000062%); highest among the groups gnomAD compares: Non-Finnish European, 0.000085%; no homozygotes.

Submissions (2):

Myriad Genetics, Inc.
Classification: Benign for Colorectal cancer, susceptibility to, 12. Last evaluated: 2025-02-10. Review status: criteria provided, single submitter. Criteria: Myriad Autosomal Dominant, Autosomal Recessive and X-Linked Classification Criteria (2023). Collection method: clinical testing. Allele origin: unknown.
Comment: This variant is considered benign. This variant is a silent/synonymous amino acid change and it is not expected to impact splicing.

Labcorp Genetics (formerly Invitae), Labcorp
Classification: Likely benign. Last evaluated: 2023-04-26. Review status: criteria provided, single submitter. Criteria: Invitae Variant Classification Sherloc (09022015). Collection method: clinical testing. Allele origin: germline.